The following is an entry in ClinVar:

ClinVar aggregate classification (germline): Uncertain significance. Review status: criteria provided, multiple submitters, no conflicts (2 of 4 stars). 2 submissions from 2 submitters: Uncertain significance (2). Last evaluated 2026-08-27.

Conditions:
Episodic ataxia type 2 (EA2). Also called: ATAXIA, EPISODIC, WITH NYSTAGMUS; ATAXIA, FAMILIAL PAROXYSMAL; ACETAZOLAMIDE-RESPONSIVE HEREDITARY PAROXYSMAL CEREBELLAR ATAXIA; CEREBELLAR ATAXIA, PAROXYSMAL, ACETAZOLAMIDE-RESPONSIVE; CEREBELLOPATHY, HEREDITARY PAROXYSMAL; EPISODIC ATAXIA, NYSTAGMUS-ASSOCIATED. Identifiers: Orphanet 97, MedGen C1720416, MONDO:0007163, OMIM 108500.
Developmental and epileptic encephalopathy, 42 (DEE42A). Also called: DEVELOPMENTAL AND EPILEPTIC ENCEPHALOPATHY 42A; EPILEPTIC ENCEPHALOPATHY, EARLY INFANTILE, 42A; Epileptic encephalopathy, early infantile, 42. Identifiers: MedGen C4310716, MONDO:0014917, OMIM 617106.

Submissions (2):

GeneDx
Classification: Uncertain significance. Last evaluated: 2026-08-27. Review status: criteria provided, single submitter. Criteria: GeneDx Variant Classification Process June 2021. Collection method: clinical testing. Allele origin: germline.
Comment: Not observed at significant frequency in large population cohorts (gnomAD); In silico analysis supports that this missense variant has a deleterious effect on protein structure/function; Has not been previously published as pathogenic or benign to our knowledge

Labcorp Genetics (formerly Invitae), Labcorp
Classification: Uncertain significance for Developmental and epileptic encephalopathy, 42; Episodic ataxia type 2. Last evaluated: 2019-12-27. Review status: criteria provided, single submitter. Criteria: Invitae Variant Classification Sherloc (09022015). Collection method: clinical testing. Allele origin: germline.
Comment: In summary, the available evidence is currently insufficient to determine the role of this variant in disease. Therefore, it has been classified as a Variant of Uncertain Significance. Algorithms developed to predict the effect of missense changes on protein structure and function are either unavailable or do not agree on the potential impact of this missense change (SIFT: "Deleterious"; PolyPhen-2: "Possibly Damaging"; Align-GVGD: "Class C15"). This variant has not been reported in the literature in individuals with CACNA1A-related conditions. This variant is not present in population databases (ExAC no frequency). This sequence change replaces phenylalanine with leucine at codon 1703 of the CACNA1A protein (p.Phe1703Leu). The phenylalanine residue is highly conserved and there is a small physicochemical difference between phenylalanine and leucine.

NM_001127222.2(CACNA1A):c.5104T>C (p.Phe1702Leu)

Gene: CACNA1A (calcium voltage-gated channel subunit alpha1 A; minus strand). Cytogenetic location: 19p13.13.
Variant type: single nucleotide variant.
Coding change: c.5104T>C on transcript NM_001127222.2 (MANE Select); coding-DNA position 5104, T replaced by C.
Protein change: p.Phe1702Leu; replaces phenylalanine 1702 with leucine.
Molecular consequence: missense variant.
Genome position (GRCh38, 1-based): chr19:13,235,238, A>G on the plus strand (T>C on the coding strand, the complement: CACNA1A is on the minus strand). VCF-style: chr19-13235238-A-G. GRCh37 (hg19) VCF-style: chr19-13346052-A-G.
Other names: c.5122T>C, p.Phe1708Leu (NM_000068.4, NM_023035.3); c.5107T>C, p.Phe1703Leu (NM_001127221.2); c.5113T>C, p.Phe1705Leu (NM_001174080.2); short protein forms F1702L, F1705L, F1708L, F1703L.
Identifiers: ClinVar variation 837382 (VCV000837382.14), dbSNP rs2055834394, ClinGen allele CA404335866.